The following is an entry in ClinVar:

NM_000059.4(BRCA2):c.5825T>A (p.Val1942Asp)

Gene: BRCA2 (BRCA2 DNA repair associated; plus strand). Cytogenetic location: 13q13.1.
Variant type: single nucleotide variant.
Coding change: c.5825T>A on transcript NM_000059.4 (MANE Select); coding-DNA position 5825, T replaced by A.
Protein change: p.Val1942Asp; replaces valine 1942 with aspartic acid.
Molecular consequence: missense variant. On other transcripts: non-coding transcript variant (1), intron variant (2).
Genome position (GRCh38, 1-based): chr13:32,340,180, T>A. VCF-style: chr13-32340180-T-A. GRCh37 (hg19) VCF-style: chr13-32914317-T-A.
Other names: c.5825T>A, p.Val1942Asp (NM_001406719.1, NM_001406720.1, NM_001432077.1); c.1910-4378T>A (NM_001406721.1); c.425-4378T>A (NM_001406722.1); short protein forms V1942D.
Identifiers: ClinVar variation 4629027 (VCV004629027.1).

ClinVar aggregate classification (germline): Uncertain significance (1 of 4 stars; one submission).

Conditions:
Hereditary cancer-predisposing syndrome. Also called: Neoplastic Syndromes, Hereditary; Tumor predisposition; Hereditary Cancer Syndrome; Hereditary neoplastic syndrome. Identifiers: Orphanet 140162, MedGen C0027672, MeSH D009386, MONDO:0015356.

Submission:

Ambry Genetics
Classification: Uncertain significance for Hereditary cancer-predisposing syndrome. Last evaluated: 2025-10-30. Review status: criteria provided, single submitter. Criteria: Ambry Variant Classification Scheme 2023. Collection method: clinical testing. Allele origin: germline.
Comment: The p.V1942D variant (also known as c.5825T>A), located in coding exon 10 of the BRCA2 gene, results from a T to A substitution at nucleotide position 5825. The valine at codon 1942 is replaced by aspartic acid, an amino acid with highly dissimilar properties. This amino acid position is conserved. In addition, this alteration is predicted to be tolerated by in silico analysis. Based on the available evidence, the clinical significance of this variant remains unclear.